The following is an entry in ClinVar:

ClinVar aggregate classification (germline): Uncertain significance. Review status: criteria provided, multiple submitters, no conflicts (2 of 4 stars). 3 submissions from 3 submitters: Uncertain significance (3). Last evaluated 2025-11-15.

Conditions:
RYR1-related disorder. Also called: RYR1-related disorders; RYR1-related condition. Identifiers: MedGen CN239331.

Allele frequency attached by ClinVar (database versions not stated): gnomAD 0.00001; gnomAD exomes 0.00001 and 0.00002; ExAC 0.00002; TOPMed 0.00002.
gnomAD v4.1: 31 of 1,614,008 alleles (0.0019%); highest among the groups gnomAD compares: Middle Eastern, 0.016%; no homozygotes.

Submissions (3):

Labcorp Genetics (formerly Invitae), Labcorp
Classification: Uncertain significance for RYR1-related disorder. Last evaluated: 2025-11-15. Review status: criteria provided, single submitter. Criteria: Invitae Variant Classification Sherloc (09022015). Collection method: clinical testing. Allele origin: germline.
Comment: This sequence change replaces methionine, which is neutral and non-polar, with valine, which is neutral and non-polar, at codon 2698 of the RYR1 protein (p.Met2698Val). This variant is present in population databases (rs775479195, gnomAD 0.003%). This variant has not been reported in the literature in individuals affected with RYR1-related conditions. ClinVar contains an entry for this variant (Variation ID: 1036894). Invitae Evidence Modeling of protein sequence and biophysical properties (such as structural, functional, and spatial information, amino acid conservation, physicochemical variation, residue mobility, and thermodynamic stability) indicates that this missense variant is not expected to disrupt RYR1 protein function with a negative predictive value of 80%. In summary, the available evidence is currently insufficient to determine the role of this variant in disease. Therefore, it has been classified as a Variant of Uncertain Significance.

CeGaT Center for Human Genetics Tuebingen
Classification: Uncertain significance. Last evaluated: 2024-11-01. Review status: criteria provided, single submitter. Criteria: CeGaT Center For Human Genetics Tuebingen Variant Classification Criteria Version 2. Collection method: clinical testing. Allele origin: germline. Affected: yes. Observed: 1 variant allele.
Comment: RYR1: PM2

Revvity Omics, Revvity
Classification: Uncertain significance. Last evaluated: 2021-07-22. Review status: criteria provided, single submitter. Criteria: ACMG Guidelines, 2015. Collection method: clinical testing. Allele origin: germline.

NM_000540.3(RYR1):c.8092A>G (p.Met2698Val)

Gene: RYR1 (ryanodine receptor 1; plus strand). Cytogenetic location: 19q13.2.
Variant type: single nucleotide variant.
Coding change: c.8092A>G on transcript NM_000540.3 (MANE Select); coding-DNA position 8092, A replaced by G.
Protein change: p.Met2698Val; replaces methionine 2698 with valine.
Molecular consequence: missense variant.
Genome position (GRCh38, 1-based): chr19:38,504,772, A>G. VCF-style: chr19-38504772-A-G. GRCh37 (hg19) VCF-style: chr19-38995412-A-G.
Other names: c.8092A>G, p.Met2698Val (NM_001042723.2); short protein forms M2698V.
Identifiers: ClinVar variation 1036894 (VCV001036894.21), dbSNP rs775479195, ClinGen allele CA071478.